The following is an entry in ClinVar:

NM_004928.3(CFAP410):c.681_684delinsCTCCC (p.Asp228fs)

Gene: CFAP410 (cilia and flagella associated protein 410; minus strand). Cytogenetic location: 21q22.3.
Variant type: Indel.
Coding change: c.681_684delinsCTCCC on transcript NM_004928.3 (MANE Select); coding-DNA positions 681 to 684, GGAT replaced by CTCCC.
Protein change: p.Asp228fs; shifts the reading frame from aspartic acid 228.
Molecular consequence: frameshift variant.
Genome position (GRCh38, 1-based): chr21:44,330,285-44,330,288, ATCC replaced by GGGAG on the plus strand (GGAT replaced by CTCCC on the coding strand, the reverse complement: CFAP410 is on the minus strand). VCF-style: chr21-44330285-ATCC-GGGAG. GRCh37 (hg19) VCF-style: chr21-45750168-ATCC-GGGAG.
Other names: c.678_681delinsCTCCC, p.Asp227fs (NM_001271440.2); c.1038_1041delinsCTCCC, p.Asp347fs (NM_001271441.2); c.555_558delinsCTCCC, p.Asp186fs (NM_001271442.1); short protein forms D227fs, D347fs, D186fs, D228fs.
Identifiers: ClinVar variation 1489267 (VCV001489267.6), dbSNP rs2146053803, ClinGen allele CA2573157554.

ClinVar aggregate classification (germline): Uncertain significance (1 of 4 stars; one submission).

Submission:

Labcorp Genetics (formerly Invitae), Labcorp
Classification: Uncertain significance. Last evaluated: 2024-09-03. Review status: criteria provided, single submitter. Criteria: Invitae Variant Classification Sherloc (09022015). Collection method: clinical testing. Allele origin: germline.
Comment: This sequence change results in a frameshift in the CFAP410 gene (p.Asp228Serfs*82). While this is not anticipated to result in nonsense mediated decay, it is expected to disrupt the last 29 amino acid(s) of the CFAP410 protein and extend the protein by 52 additional amino acid residues. This variant is not present in population databases (gnomAD no frequency). This variant has not been reported in the literature in individuals affected with CFAP410-related conditions. ClinVar contains an entry for this variant (Variation ID: 1489267). Experimental studies and prediction algorithms are not available or were not evaluated, and the functional significance of this variant is currently unknown. In summary, the available evidence is currently insufficient to determine the role of this variant in disease. Therefore, it has been classified as a Variant of Uncertain Significance.